The following is an entry in ClinVar:

NM_002474.3(MYH11):c.2209C>A (p.Pro737Thr)

Gene: MYH11 (myosin heavy chain 11; minus strand). Cytogenetic location: 16p13.11.
Variant type: single nucleotide variant.
Coding change: c.2209C>A on transcript NM_002474.3 (MANE Select); coding-DNA position 2209, C replaced by A.
Protein change: p.Pro737Thr; replaces proline 737 with threonine.
Molecular consequence: missense variant.
Genome position (GRCh38, 1-based): chr16:15,747,915, G>T on the plus strand (C>A on the coding strand, the complement: MYH11 is on the minus strand). VCF-style: chr16-15747915-G-T. GRCh37 (hg19) VCF-style: chr16-15841772-G-T.
Other names: c.2230C>A, p.Pro744Thr (NM_001040113.2, NM_001040114.2); c.2209C>A, p.Pro737Thr (NM_022844.3); c.2209C>A (NM_002474.2); short protein forms P737T, P744T.
Identifiers: ClinVar variation 4756966 (VCV004756966.2).
Genomic context (GRCh38, chr16:15,747,915, plus strand): 5'-GGTGGACTTCTGGGCTCACCATGAGAATGCAGGCCTGCTTCCCGTCCATGAAGCCTTTGG[G>T]GATGGCATTCGCCGCCAGGATCTCGTAGCTTGAAACACAGAGCAGAAGTCACCCCGGGTA-3'
Protein context (NP_002465.1, residues 727-747): RYEILAANAI[Pro737Thr]KGFMDGKQAC

ClinVar aggregate classification (germline): Uncertain significance. Review status: criteria provided, multiple submitters, no conflicts (2 of 4 stars). 2 submissions from 2 submitters: Uncertain significance (2). Last evaluated 2026-08-08.

Conditions:
Familial thoracic aortic aneurysm and aortic dissection (TAAD). Also called: Thoracic aortic aneurysms and dissections. Identifiers: Orphanet 91387, MedGen C4707243, MONDO:0019625.

gnomAD v4.1: 2 of 1,613,998 alleles (0.00012%); highest among the groups gnomAD compares: Non-Finnish European, 0.000085%; no homozygotes.

Submissions (2):

Ambry Genetics
Classification: Uncertain significance for Familial thoracic aortic aneurysm and aortic dissection. Last evaluated: 2026-08-08. Review status: criteria provided, single submitter. Criteria: Ambry Variant Classification Scheme 2023. Collection method: clinical testing. Allele origin: germline.
Comment: The p.P737T variant (also known as c.2209C>A), located in coding exon 17 of the MYH11 gene, results from a C to A substitution at nucleotide position 2209. The proline at codon 737 is replaced by threonine, an amino acid with highly similar properties. This amino acid position is conserved. In addition, this alteration is predicted to be deleterious by in silico analysis. Based on the available evidence, the clinical significance of this variant remains unclear.

Color Diagnostics, LLC DBA Color Health
Classification: Uncertain significance for Familial thoracic aortic aneurysm and aortic dissection. Last evaluated: 2025-06-09. Review status: criteria provided, single submitter. Criteria: ACMG Guidelines, 2015. Collection method: clinical testing. Allele origin: germline.
Comment: This missense variant replaces proline with threonine at codon 744 of the MYH11 protein. Computational prediction suggests that this variant may have deleterious impact on protein structure and function. To our knowledge, functional studies have not been reported for this variant. This variant has not been reported in individuals affected with MYH11-related disorders in the literature. This variant has not been identified in the general population by the Genome Aggregation Database (gnomAD). The available evidence is insufficient to determine the role of this variant in disease conclusively. Therefore, this variant is classified as a Variant of Uncertain Significance.